The following is an entry in ClinVar:

ClinVar aggregate classification (germline): Uncertain significance (1 of 4 stars; one submission).

Submission:

Greenwood Genetic Center Diagnostic Laboratories, Greenwood Genetic Center
Classification: Uncertain significance. Last evaluated: 2023-09-05. Review status: criteria provided, single submitter. Criteria: ACMG Guidelines, 2015. Collection method: clinical testing. Allele origin: germline. Affected: yes.
Comment: PM2, PP3

NM_004247.4(EFTUD2):c.427-3T>G

Gene: EFTUD2 (elongation factor Tu GTP binding domain containing 2; minus strand). Cytogenetic location: 17q21.31.
Variant type: single nucleotide variant.
Coding change: c.427-3T>G on transcript NM_004247.4 (MANE Select); 3 bases into the intron before coding-DNA position 427, T replaced by G.
Molecular consequence: intron variant.
Genome position (GRCh38, 1-based): chr17:44,883,161, A>C on the plus strand (T>G on the coding strand, the complement: EFTUD2 is on the minus strand). VCF-style: chr17-44883161-A-C. GRCh37 (hg19) VCF-style: chr17-42960529-A-C.
Other names: c.322-3T>G (NM_001142605.2); c.427-33T>G (NM_001258354.2); c.427-3T>G (NM_001258353.2).
Identifiers: ClinVar variation 2626918 (VCV002626918.1), dbSNP rs2051103572, ClinGen allele CA2582342189.
Genomic context (GRCh38, chr17:44,883,161, plus strand): 5'-CATAGCGCTTTCTGATTTCCGGGTGAGTCTGTTCAATTAAACAATCCACAAAACATGTCT[A>C]AAAGGGAAGAAACAGTTAACATCTGCCGACCACAGAGGAAAATTTACTGTGCCCTTCCCC-3'